The following is an entry in ClinVar:

ClinVar aggregate classification (germline): Likely benign. Review status: criteria provided, multiple submitters, no conflicts (2 of 4 stars). 4 submissions from 4 submitters: Likely benign (3). 1 of the submissions does not count toward it. Last evaluated 2024-10-01.

Conditions:
PKD1-related disorder. Also called: PKD1-related condition.
Polycystic kidney disease, adult type (PKD1). Also called: POLYCYSTIC KIDNEY DISEASE, ADULT, TYPE I; Polycystic Kidney Disease 1, Autosomal Dominant; Polycystic kidney disease 1; Polycystic kidney disease 1, severe; Polycystic Kidney, Autosomal Dominant; POLYCYSTIC KIDNEY DISEASE 1 WITH OR WITHOUT POLYCYSTIC LIVER DISEASE. Identifiers: MedGen C3149841, MONDO:0008263, OMIM 173900.

Allele frequency attached by ClinVar (database versions not stated): 1000 Genomes Project 0.00040; 1000 Genomes Project 30x 0.00047; ExAC 0.00307.
gnomAD v4.1: 304 of 1,338,622 alleles (0.023%); highest among the groups gnomAD compares: South Asian, 0.36%; 3 homozygotes.

Submissions (4):

Blueprint Genetics
Classification: Likely benign. Last evaluated: 2024-10-01. Review status: criteria provided, single submitter. Criteria: ACMG Guidelines, 2015. Collection method: clinical testing. Allele origin: germline.

Department of Pathology and Laboratory Medicine, Sinai Health System
Classification: Likely benign for Polycystic kidney disease, adult type. Last evaluated: 2024-06-03. Review status: criteria provided, single submitter. Criteria: ACMG Guidelines, 2015. Collection method: clinical testing. Allele origin: germline. Affected: yes.

CeGaT Center for Human Genetics Tuebingen
Classification: Likely benign. Last evaluated: 2022-12-01. Review status: criteria provided, single submitter. Criteria: CeGaT Center For Human Genetics Tuebingen Variant Classification Criteria Version 2. Collection method: clinical testing. Allele origin: germline. Affected: yes. Observed: 1 variant allele.
Comment: PKD1: BP4, BP7

PreventionGenetics, part of Exact Sciences
Classification: Likely benign for PKD1-related condition. Last evaluated: 2022-11-21. Review status: no assertion criteria provided. Collection method: clinical testing. Allele origin: germline. Not counted in ClinVar's aggregate classification.
Comment: This variant is classified as likely benign based on ACMG/AMP sequence variant interpretation guidelines (Richards et al. 2015 PMID: 25741868, with internal and published modifications).

NM_001009944.3(PKD1):c.2244G>C (p.Ser748=)

Gene: PKD1 (polycystin 1, transient receptor potential channel interacting; minus strand). Cytogenetic location: 16p13.3.
Variant type: single nucleotide variant.
Coding change: c.2244G>C on transcript NM_001009944.3 (MANE Select); coding-DNA position 2244, G replaced by C.
Protein change: p.Ser748=; no amino-acid change (serine 748 retained).
Molecular consequence: synonymous variant.
Genome position (GRCh38, 1-based): chr16:2,114,779, C>G on the plus strand (G>C on the coding strand, the complement: PKD1 is on the minus strand). VCF-style: chr16-2114779-C-G. GRCh37 (hg19) VCF-style: chr16-2164780-C-G.
Other names: c.2244G>C, p.Ser748= (NM_000296.4).
Identifiers: ClinVar variation 2646025 (VCV002646025.27), dbSNP rs557661193, ClinGen allele CA7833249.